The following is an entry in ClinVar:

NM_007294.4(BRCA1):c.5193+12A>C

Gene: BRCA1 (BRCA1 DNA repair associated; minus strand). Cytogenetic location: 17q21.31.
Variant type: single nucleotide variant.
Coding change: c.5193+12A>C on transcript NM_007294.4 (MANE Select); 12 bases into the intron after coding-DNA position 5193, A replaced by C.
Molecular consequence: intron variant.
Genome position (GRCh38, 1-based): chr17:43,063,321, T>G on the plus strand (A>C on the coding strand, the complement: BRCA1 is on the minus strand). VCF-style: chr17-43063321-T-G. GRCh37 (hg19) VCF-style: chr17-41215338-T-G.
Other names: c.1740+12A>C (NM_001408458.1, NM_001408461.1, NM_001408464.1 and 7 more transcripts); c.4302+12A>C (NM_001407967.1); c.4812+12A>C (NM_001407959.1); c.4926+12A>C (NM_001407931.1, NM_001407932.1, NM_001407928.1 and 4 more transcripts); c.5049+12A>C (NM_001407747.1, NM_001407745.1, NM_001407737.1 and 21 more transcripts); c.4809+12A>C (NM_001407962.1, NM_001407960.1); c.1380+12A>C (NM_001408512.1); c.1503+12A>C (NM_001408510.1); and 72 more.
Identifiers: ClinVar variation 867801 (VCV000867801.3), dbSNP rs2051851343, ClinGen allele CA916080017.
Genomic context (GRCh38, chr17:43,063,321, plus strand): 5'-AGGAAGCAAATACATTTTTAACTATATGACTGAATGAATATCTCTGGTTAGTTTGTAACA[T>G]CAAGTACTTACCTCATTCAGCATTTTTCTTTCTTTAATAGACTGGGTCACCCCTAAAGAG-3'

Conditions:
Breast-ovarian cancer, familial, susceptibility to, 1 (BROVCA1). Also called: BRCA1 Hereditary Breast and Ovarian Cancer; OVARIAN CANCER, SUSCEPTIBILITY TO. Identifiers: Orphanet 145, MedGen C2676676, MONDO:0011450, OMIM 604370. Disease mechanism: loss of function.

Submission:

Brotman Baty Institute, University of Washington
No classification provided (evidence only). Condition: Breast-ovarian cancer, familial 1. Review status: no classification provided. Collection method: in vitro. Allele origin: not applicable. Functional consequence: functionally_normal.
ClinVar note: "not provided" was previously submitted as the classification for the variant. However, the classification appeared to be based only on an observation of functional data so it was converted to no classification on 2025-07-30.